The following is an entry in ClinVar:

ClinVar aggregate classification (germline): Pathogenic (1 of 4 stars; one submission).

Conditions:
Familial cancer of breast. Also called: Hereditary breast cancer; BREAST CANCER, FAMILIAL; hereditary breast carcinoma. Identifiers: Orphanet 227535, MedGen C0346153, MONDO:0016419, OMIM 114480. Disease mechanism: loss of function.

Submission:

Myriad Genetics, Inc.
Classification: Pathogenic for Familial cancer of breast. Last evaluated: 2023-06-22. Review status: criteria provided, single submitter. Criteria: Myriad Autosomal Dominant, Autosomal Recessive and X-Linked Classification Criteria (2023). Collection method: clinical testing. Allele origin: unknown.
Comment: This variant is considered pathogenic. This variant creates a frameshift predicted to result in premature protein truncation.

NM_007194.4(CHEK2):c.117_132del (p.Ser40fs)

Gene: CHEK2 (checkpoint kinase 2; minus strand). Cytogenetic location: 22q12.1.
Variant type: Deletion.
Coding change: c.117_132del on transcript NM_007194.4 (MANE Select); coding-DNA positions 117 to 132, 16 bases deleted (CAGCTCCTCTACCAGC).
Protein change: p.Ser40fs; shifts the reading frame from serine 40.
Molecular consequence: frameshift variant.
Genome position (GRCh38, 1-based): chr22:28,734,590-28,734,605, GCTGGTAGAGGAGCTG deleted on the plus strand (CAGCTCCTCTACCAGC on the coding strand, the reverse complement: CHEK2 is on the minus strand); deleting any 16 consecutive bases within chr22:28,734,590-28,734,606 gives the same sequence; the c. name uses the placement nearest the transcript's 3' end. VCF-style (leftmost placement, unchanged base first): chr22-28734589-TGCTGGTAGAGGAGCTG-T. GRCh37 (hg19) VCF-style: chr22-29130577-TGCTGGTAGAGGAGCTG-T.
Other names: c.116_131del16, p.Ser40Argfs (NM_001005735.3, NM_001349956.3, NM_145862.3); c.-662_-647del16 (NM_001257387.3); short protein forms S40fs.
Identifiers: ClinVar variation 2583414 (VCV002583414.2), dbSNP rs2518132441, ClinGen allele CA2582342769.